The following is an entry in ClinVar:

NC_000016.10:g.(?_28477496)_(28491779_?)del

Gene: CLN3 (CLN3 lysosomal/endosomal transmembrane protein, battenin; minus strand). Cytogenetic location: 16p11.2.
Variant type: Deletion.
Identifiers: ClinVar variation 832292 (VCV000832292.1).

ClinVar aggregate classification (germline): Pathogenic (1 of 4 stars; one submission).

Conditions:
Neuronal ceroid lipofuscinosis. Also called: Neuronal Ceroid Lipofuscinoses. Identifiers: Orphanet 216, Orphanet 79263, MedGen C0027877, MONDO:0016295. Disease mechanism: loss of function.

Submission:

Labcorp Genetics (formerly Invitae), Labcorp
Classification: Pathogenic for Neuronal ceroid lipofuscinosis. Last evaluated: 2019-11-25. Review status: criteria provided, single submitter. Criteria: Invitae Variant Classification Sherloc (09022015). Collection method: clinical testing. Allele origin: germline.
Comment: A gross deletion of the genomic region encompassing the full coding sequence of the CLN3 gene has been identified. The boundaries of this event are unknown as the deletion extends beyond the assayed region for this gene and therefore may encompass additional genes. This variant has not been reported in the literature in individuals with CLN3-related conditions. Loss-of-function variants in CLN3 are known to be pathogenic (PMID: 9311735, 28542676). For these reasons, this variant has been classified as Pathogenic.